The following is an entry in ClinVar:

ClinVar aggregate classification (germline): Uncertain significance (1 of 4 stars; one submission).

Conditions:
Familial thoracic aortic aneurysm and aortic dissection (TAAD). Also called: Thoracic aortic aneurysms and dissections. Identifiers: Orphanet 91387, MedGen C4707243, MONDO:0019625.

Submission:

Ambry Genetics
Classification: Uncertain significance for Familial thoracic aortic aneurysm and aortic dissection. Last evaluated: 2026-07-06. Review status: criteria provided, single submitter. Criteria: Ambry Variant Classification Scheme 2023. Collection method: clinical testing. Allele origin: germline.
Comment: The p.F20V variant (also known as c.58T>G), located in coding exon 1 of the MYH11 gene, results from a T to G substitution at nucleotide position 58. The phenylalanine at codon 20 is replaced by valine, an amino acid with highly similar properties. This amino acid position is conserved. In addition, the in silico prediction for this alteration is inconclusive. Based on the available evidence, the clinical significance of this variant remains unclear.

NM_002474.3(MYH11):c.58T>G (p.Phe20Val)

Gene: MYH11 (myosin heavy chain 11; minus strand). Cytogenetic location: 16p13.11.
Variant type: single nucleotide variant.
Coding change: c.58T>G on transcript NM_002474.3 (MANE Select); coding-DNA position 58, T replaced by G.
Protein change: p.Phe20Val; replaces phenylalanine 20 with valine.
Molecular consequence: missense variant.
Genome position (GRCh38, 1-based): chr16:15,838,195, A>C on the plus strand (T>G on the coding strand, the complement: MYH11 is on the minus strand). VCF-style: chr16-15838195-A-C. GRCh37 (hg19) VCF-style: chr16-15932052-A-C.
Other names: c.58T>G, p.Phe20Val (NM_001040113.2, NM_001040114.2, NM_022844.3); short protein forms F20V.
Identifiers: ClinVar variation 5025079 (VCV005025079.1).